The following is an entry in ClinVar:

ClinVar aggregate classification (germline): Benign (1 of 4 stars; one submission).

Conditions:
Congenital glucose-galactose malabsorption (GGM). Also called: DIARRHEA 16; MONOSACCHARIDE MALABSORPTION. Identifiers: Orphanet 35710, MedGen C0268186, MONDO:0011731, OMIM 606824.

Allele frequency attached by ClinVar (database versions not stated): gnomAD 0.00973 and 0.01052; 1000 Genomes Project 0.01098; TOPMed 0.01106; 1000 Genomes Project 30x 0.01187.

Submission:

Illumina Laboratory Services, Illumina
Classification: Benign for Congenital glucose-galactose malabsorption. Last evaluated: 2018-01-13. Review status: criteria provided, single submitter. Criteria: ICSL Variant Classification Criteria 13 December 2019. Collection method: clinical testing. Allele origin: germline.
Comment: This variant was observed in the ICSL laboratory as part of a predisposition screen in an ostensibly healthy population. It had not been previously curated by ICSL or reported in the Human Gene Mutation Database (HGMD: prior to June 1st, 2018), and was therefore a candidate for classification through an automated scoring system. Utilizing variant allele frequency, disease prevalence and penetrance estimates, and inheritance mode, an automated score was calculated to assess if this variant is too frequent to cause the disease. Based on the score and internal cut-off values, a variant classified as benign is not then subjected to further curation. The score for this variant resulted in a classification of benign for this disease.

NM_000343.4(SLC5A1):c.*2244C>T

Gene: SLC5A1 (solute carrier family 5 member 1; plus strand). Cytogenetic location: 22q12.3.
Variant type: single nucleotide variant.
Coding change: c.*2244C>T on transcript NM_000343.4 (MANE Select); 2244 bases downstream of the stop codon, C replaced by T.
Molecular consequence: 3 prime UTR variant.
Genome position (GRCh38, 1-based): chr22:32,112,457, C>T. VCF-style: chr22-32112457-C-T. GRCh37 (hg19) VCF-style: chr22-32508444-C-T.
Other names: c.*2244C>T (NM_001256314.2).
Identifiers: ClinVar variation 901539 (VCV000901539.4), dbSNP rs114700055, ClinGen allele CA323390979.
Genomic context (GRCh38, chr22:32,112,457, plus strand): 5'-GCAGACTTCACAGAGCTGTTGTAAAGATTAGGTGAGGTCAATTGATACTGCTTAAAAGGC[C>T]CGGTCCGTAGAAAATGCCCAATAAACATTACTGCTTTCCCCCTCACCCTACTGCCTGAAA-3'